The following is an entry in ClinVar:

NM_000252.3(MTM1):c.1697A>G (p.Glu566Gly)

Gene: MTM1 (myotubularin 1; plus strand). Cytogenetic location: Xq28.
Variant type: single nucleotide variant.
Coding change: c.1697A>G on transcript NM_000252.3 (MANE Select); coding-DNA position 1697, A replaced by G.
Protein change: p.Glu566Gly; replaces glutamic acid 566 with glycine.
Molecular consequence: missense variant.
Genome position (GRCh38, 1-based): chrX:150,671,480, A>G. VCF-style: chrX-150671480-A-G. GRCh37 (hg19) VCF-style: chrX-149839953-A-G.
Other names: c.1694A>G, p.Glu565Gly (NM_001376906.1); c.1586A>G, p.Glu529Gly (NM_001376907.1); c.1697A>G, p.Glu566Gly (NM_001376908.1); short protein forms E529G, E565G, E566G.
Identifiers: ClinVar variation 3605205 (VCV003605205.2).

ClinVar aggregate classification (germline): Uncertain significance (1 of 4 stars; one submission).

Conditions:
Severe X-linked myotubular myopathy (CNMX). Also called: MYOTUBULAR MYOPATHY 1; Myotubular myopathy, X-linked; X-linked centronuclear myopathy. Identifiers: Orphanet 596, MedGen C0410203, MONDO:0010683, OMIM 310400.

gnomAD v4.1: 1 of 1,211,185 alleles (0.000083%); highest among the groups gnomAD compares: Admixed American, 0.0022%; no homozygotes.

Submission:

Labcorp Genetics (formerly Invitae), Labcorp
Classification: Uncertain significance for Severe X-linked myotubular myopathy. Last evaluated: 2024-01-31. Review status: criteria provided, single submitter. Criteria: Invitae Variant Classification Sherloc (09022015). Collection method: clinical testing. Allele origin: germline.
Comment: This sequence change replaces glutamic acid, which is acidic and polar, with glycine, which is neutral and non-polar, at codon 566 of the MTM1 protein (p.Glu566Gly). This variant is present in population databases (no rsID available, gnomAD 0.004%). This variant has not been reported in the literature in individuals affected with MTM1-related conditions. Advanced modeling of protein sequence and biophysical properties (such as structural, functional, and spatial information, amino acid conservation, physicochemical variation, residue mobility, and thermodynamic stability) performed at Invitae indicates that this missense variant is expected to disrupt MTM1 protein function with a positive predictive value of 95%. In summary, the available evidence is currently insufficient to determine the role of this variant in disease. Therefore, it has been classified as a Variant of Uncertain Significance.